The following is an entry in ClinVar:

NM_001005361.3(DNM2):c.19G>C (p.Glu7Gln)

Genes: DNM2 (dynamin 2; plus strand), LOC130063529 (ATAC-STARR-seq lymphoblastoid silent region 10090; plus strand). Cytogenetic location: 19p13.2.
Variant type: single nucleotide variant.
Coding change: c.19G>C on transcript NM_001005361.3 (MANE Select); coding-DNA position 19, G replaced by C.
Protein change: p.Glu7Gln; replaces glutamic acid 7 with glutamine.
Molecular consequence: missense variant.
Genome position (GRCh38, 1-based): chr19:10,718,261, G>C. VCF-style: chr19-10718261-G-C. GRCh37 (hg19) VCF-style: chr19-10828937-G-C.
Other names: c.19G>C, p.Glu7Gln (NM_001005360.3, NM_001005362.3, NM_001190716.2 and 1 more transcripts); short protein forms E7Q.
Identifiers: ClinVar variation 1000128 (VCV001000128.9), dbSNP rs1008731390, ClinGen allele CA305245902.

ClinVar aggregate classification (germline): Uncertain significance (1 of 4 stars; one submission).

Conditions:
Charcot-Marie-Tooth disease dominant intermediate B (CMTDIB). Also called: Charcot-Marie-Tooth disease dominant intermediate 1; CMT DI1; Charcot-Marie-Tooth disease dominant intermediate I; CHARCOT-MARIE-TOOTH NEUROPATHY, DOMINANT INTERMEDIATE B. Identifiers: Orphanet 100044, Orphanet 228179, MedGen C1847902, MONDO:0011674, OMIM 606482.

Allele frequency attached by ClinVar (database versions not stated): gnomAD exomes below 0.00001; TOPMed below 0.00001.
gnomAD v4.1: 2 of 1,488,066 alleles (0.00013%); highest among the groups gnomAD compares: African/African-American, 0.0015%; no homozygotes.

Submission:

Labcorp Genetics (formerly Invitae), Labcorp
Classification: Uncertain significance for Charcot-Marie-Tooth disease dominant intermediate B. Last evaluated: 2020-03-01. Review status: criteria provided, single submitter. Criteria: Invitae Variant Classification Sherloc (09022015). Collection method: clinical testing. Allele origin: germline.
Comment: In summary, the available evidence is currently insufficient to determine the role of this variant in disease. Therefore, it has been classified as a Variant of Uncertain Significance. Algorithms developed to predict the effect of missense changes on protein structure and function are either unavailable or do not agree on the potential impact of this missense change (SIFT: "Tolerated"; PolyPhen-2: "Probably Damaging"; Align-GVGD: "Class C0"). This variant has not been reported in the literature in individuals with DNM2-related conditions. The frequency data for this variant in the population databases is considered unreliable, as metrics indicate insufficient coverage at this position in the ExAC database. This sequence change replaces glutamic acid with glutamine at codon 7 of the DNM2 protein (p.Glu7Gln). The glutamic acid residue is moderately conserved and there is a small physicochemical difference between glutamic acid and glutamine.